The following is an entry in ClinVar:

NM_003072.5(SMARCA4):c.1027G>T (p.Val343Leu)

Gene: SMARCA4 (SWI/SNF related BAF chromatin remodeling complex subunit ATPase 4; plus strand). Cytogenetic location: 19p13.2.
Variant type: single nucleotide variant.
Coding change: c.1027G>T on transcript NM_003072.5 (MANE Select); coding-DNA position 1027, G replaced by T.
Protein change: p.Val343Leu; replaces valine 343 with leucine.
Molecular consequence: missense variant. On other transcripts: non-coding transcript variant (1).
Genome position (GRCh38, 1-based): chr19:10,987,833, G>T. VCF-style: chr19-10987833-G-T. GRCh37 (hg19) VCF-style: chr19-11098509-G-T.
Other names: c.1027G>T, p.Val343Leu (NM_001128844.3, NM_001128845.2, NM_001128846.2 and 5 more transcripts); short protein forms V343L.
Identifiers: ClinVar variation 646697 (VCV000646697.9), dbSNP rs1599970530, ClinGen allele CA404058662.

ClinVar aggregate classification (germline): Uncertain significance. Review status: criteria provided, multiple submitters, no conflicts (2 of 4 stars). 2 submissions from 2 submitters: Uncertain significance (2). Last evaluated 2022-11-04.

Conditions:
Rhabdoid tumor predisposition syndrome 2 (RTPS2). Identifiers: Orphanet 231108, Orphanet 69077, MedGen C2750074, MONDO:0013224, OMIM 613325.

Submissions (2):

GeneDx
Classification: Uncertain significance. Last evaluated: 2022-11-04. Review status: criteria provided, single submitter. Criteria: GeneDx Variant Classification Process June 2021. Collection method: clinical testing. Allele origin: germline. Affected: yes.
Comment: Not observed at significant frequency in large population cohorts (gnomAD); In silico analysis supports that this missense variant does not alter protein structure/function; Has not been previously published as pathogenic or benign to our knowledge

Labcorp Genetics (formerly Invitae), Labcorp
Classification: Uncertain significance for Rhabdoid tumor predisposition syndrome 2. Last evaluated: 2022-08-22. Review status: criteria provided, single submitter. Criteria: Invitae Variant Classification Sherloc (09022015). Collection method: clinical testing. Allele origin: germline.
Comment: In summary, the available evidence is currently insufficient to determine the role of this variant in disease. Therefore, it has been classified as a Variant of Uncertain Significance. Algorithms developed to predict the effect of missense changes on protein structure and function (SIFT, PolyPhen-2, Align-GVGD) all suggest that this variant is likely to be tolerated. ClinVar contains an entry for this variant (Variation ID: 646697). This variant has not been reported in the literature in individuals affected with SMARCA4-related conditions. This variant is not present in population databases (gnomAD no frequency). This sequence change replaces valine, which is neutral and non-polar, with leucine, which is neutral and non-polar, at codon 343 of the SMARCA4 protein (p.Val343Leu).